The following is an entry in ClinVar:

ClinVar aggregate classification (germline): Uncertain significance. Review status: criteria provided, multiple submitters, no conflicts (2 of 4 stars). 2 submissions from 2 submitters: Uncertain significance (2). Last evaluated 2025-07-09.

Conditions:
Long QT syndrome (LQTS). Identifiers: MedGen C0023976, MeSH D008133, MONDO:0002442. Disease mechanism: loss of function. Inheritance: Various modes of inheritance.
Cardiovascular phenotype. Identifiers: MedGen CN230736.

Allele frequency attached by ClinVar (database versions not stated): gnomAD exomes below 0.00001; ExAC 0.00001.
gnomAD v4.1: 4 of 1,613,780 alleles (0.00025%); highest among the groups gnomAD compares: Non-Finnish European, 0.00034%; no homozygotes.

Submissions (2):

Ambry Genetics
Classification: Uncertain significance for Cardiovascular phenotype. Last evaluated: 2025-07-09. Review status: criteria provided, single submitter. Criteria: Ambry Variant Classification Scheme 2023. Collection method: clinical testing. Allele origin: germline.
Comment: The p.A1852G variant (also known as c.5555C>G), located in coding exon 22 of the AKAP9 gene, results from a C to G substitution at nucleotide position 5555. The alanine at codon 1852 is replaced by glycine, an amino acid with similar properties. This amino acid position is conserved. In addition, this alteration is predicted to be tolerated by in silico analysis. Based on the available evidence, the clinical significance of this variant remains unclear.

Labcorp Genetics (formerly Invitae), Labcorp
Classification: Uncertain significance for Long QT syndrome. Last evaluated: 2023-05-19. Review status: criteria provided, single submitter. Criteria: Invitae Variant Classification Sherloc (09022015). Collection method: clinical testing. Allele origin: germline.
Comment: This sequence change replaces alanine, which is neutral and non-polar, with glycine, which is neutral and non-polar, at codon 1852 of the AKAP9 protein (p.Ala1852Gly). This variant is present in population databases (rs751812398, gnomAD 0.0009%). This variant has not been reported in the literature in individuals affected with AKAP9-related conditions. ClinVar contains an entry for this variant (Variation ID: 2336460). An algorithm developed to predict the effect of missense changes on protein structure and function (PolyPhen-2) suggests that this variant is likely to be disruptive. In summary, the available evidence is currently insufficient to determine the role of this variant in disease. Therefore, it has been classified as a Variant of Uncertain Significance.

NM_005751.5(AKAP9):c.5555C>G (p.Ala1852Gly)

Gene: AKAP9 (A-kinase anchoring protein 9; plus strand). Cytogenetic location: 7q21.2.
Variant type: single nucleotide variant.
Coding change: c.5555C>G on transcript NM_005751.5 (MANE Select); coding-DNA position 5555, C replaced by G.
Protein change: p.Ala1852Gly; replaces alanine 1852 with glycine.
Molecular consequence: missense variant.
Genome position (GRCh38, 1-based): chr7:92,052,912, C>G. VCF-style: chr7-92052912-C-G. GRCh37 (hg19) VCF-style: chr7-91682226-C-G.
Other names: c.5555C>G, p.Ala1852Gly (NM_147185.3); short protein forms A1852G.
Identifiers: ClinVar variation 2336460 (VCV002336460.6), dbSNP rs751812398, ClinGen allele CA4336801.
Genomic context (GRCh38, chr7:92,052,912, plus strand): 5'-GAACTGAAATAGACCCTGAAAATGAAGAACTTATGCTGAACATTAGCTCTCGACTACAAG[C>G]AGCAGTTGAAAAACTCCTAGAAGCCATAAGTGAAACTAGCAGTCAGGTAACCTCCTTATA-3'
Protein context (NP_005742.4, residues 1842-1862): LMLNISSRLQ[Ala1852Gly]AVEKLLEAIS